The following is an entry in ClinVar:

ClinVar aggregate classification (germline): Uncertain significance. Review status: criteria provided, multiple submitters, no conflicts (2 of 4 stars). 2 submissions from 2 submitters: Uncertain significance (2). Last evaluated 2022-11-08.

Conditions:
Multiple congenital anomalies-hypotonia-seizures syndrome 1 (MCAHS1). Also called: PIGN-CDG; Congenital disorder of glycosylation due to PIGN deficiency; GLYCOSYLPHOSPHATIDYLINOSITOL BIOSYNTHESIS DEFECT 3. Identifiers: Orphanet 280633, MedGen C3279775, MONDO:0013563, OMIM 614080.

Allele frequency attached by ClinVar (database versions not stated): gnomAD exomes below 0.00001; TOPMed below 0.00001; gnomAD 0.00001.
gnomAD v4.1: 3 of 1,585,120 alleles (0.00019%); highest among the groups gnomAD compares: African/African-American, 0.004%; no homozygotes.

Submissions (2):

Labcorp Genetics (formerly Invitae), Labcorp
Classification: Uncertain significance for Multiple congenital anomalies-hypotonia-seizures syndrome 1. Last evaluated: 2022-11-08. Review status: criteria provided, single submitter. Criteria: Invitae Variant Classification Sherloc (09022015). Collection method: clinical testing. Allele origin: germline.
Comment: Advanced modeling of protein sequence and biophysical properties (such as structural, functional, and spatial information, amino acid conservation, physicochemical variation, residue mobility, and thermodynamic stability) performed at Invitae indicates that this missense variant is not expected to disrupt PIGN protein function. In summary, the available evidence is currently insufficient to determine the role of this variant in disease. Therefore, it has been classified as a Variant of Uncertain Significance. ClinVar contains an entry for this variant (Variation ID: 1046788). This variant has not been reported in the literature in individuals affected with PIGN-related conditions. This variant is not present in population databases (gnomAD no frequency). This sequence change replaces valine, which is neutral and non-polar, with isoleucine, which is neutral and non-polar, at codon 534 of the PIGN protein (p.Val534Ile).

GeneDx
Classification: Uncertain significance. Last evaluated: 2019-08-08. Review status: criteria provided, single submitter. Criteria: GeneDx Variant Classification Process June 2021. Collection method: clinical testing. Allele origin: germline. Affected: yes.
Comment: Not observed in large population cohorts (Lek et al., 2016); In silico analysis, which includes protein predictors and evolutionary conservation, supports that this variant does not alter protein structure/function; Has not been previously published as pathogenic or benign to our knowledge

NM_176787.5(PIGN):c.1600G>A (p.Val534Ile)

Gene: PIGN (phosphatidylinositol glycan anchor biosynthesis class N; minus strand). Cytogenetic location: 18q21.33.
Variant type: single nucleotide variant.
Coding change: c.1600G>A on transcript NM_176787.5 (MANE Select); coding-DNA position 1600, G replaced by A.
Protein change: p.Val534Ile; replaces valine 534 with isoleucine.
Molecular consequence: missense variant.
Genome position (GRCh38, 1-based): chr18:62,107,060, C>T on the plus strand (G>A on the coding strand, the complement: PIGN is on the minus strand). VCF-style: chr18-62107060-C-T. GRCh37 (hg19) VCF-style: chr18-59774293-C-T.
Other names: c.1600G>A, p.Val534Ile (NM_012327.6); short protein forms V534I.
Identifiers: ClinVar variation 1046788 (VCV001046788.10), dbSNP rs1318186935, ClinGen allele CA402605278.